The following is an entry in ClinVar:

ClinVar aggregate classification (germline): Uncertain significance (1 of 4 stars; one submission).

Conditions:
Primary ciliary dyskinesia 19. Also called: CILIARY DYSKINESIA, PRIMARY, 19, WITH OR WITHOUT SITUS INVERSUS. Identifiers: Orphanet 244, MedGen C3543826, MONDO:0013979, OMIM 614935.

gnomAD v4.1: 47 of 1,613,534 alleles (0.0029%); highest among the groups gnomAD compares: Non-Finnish European, 0.0037%; no homozygotes.

Submission:

Labcorp Genetics (formerly Invitae), Labcorp
Classification: Uncertain significance for Primary ciliary dyskinesia 19. Last evaluated: 2024-12-26. Review status: criteria provided, single submitter. Criteria: Invitae Variant Classification Sherloc (09022015). Collection method: clinical testing. Allele origin: germline.
Comment: This sequence change replaces lysine, which is basic and polar, with glutamine, which is neutral and polar, at codon 252 of the LRRC6 protein (p.Lys252Gln). This variant is present in population databases (rs767751389, gnomAD 0.007%). This variant has not been reported in the literature in individuals affected with LRRC6-related conditions. Invitae Evidence Modeling of protein sequence and biophysical properties (such as structural, functional, and spatial information, amino acid conservation, physicochemical variation, residue mobility, and thermodynamic stability) indicates that this missense variant is not expected to disrupt LRRC6 protein function with a negative predictive value of 80%. In summary, the available evidence is currently insufficient to determine the role of this variant in disease. Therefore, it has been classified as a Variant of Uncertain Significance.

NM_012472.6(DNAAF11):c.754A>C (p.Lys252Gln)

Gene: DNAAF11 (dynein axonemal assembly factor 11; minus strand). Cytogenetic location: 8q24.22.
Variant type: single nucleotide variant.
Coding change: c.754A>C on transcript NM_012472.6 (MANE Select); coding-DNA position 754, A replaced by C.
Protein change: p.Lys252Gln; replaces lysine 252 with glutamine.
Molecular consequence: missense variant. On other transcripts: non-coding transcript variant (10).
Genome position (GRCh38, 1-based): chr8:132,625,354, T>G on the plus strand (A>C on the coding strand, the complement: DNAAF11 is on the minus strand). VCF-style: chr8-132625354-T-G. GRCh37 (hg19) VCF-style: chr8-133637600-T-G.
Other names: c.754A>C, p.Lys252Gln (NM_001321961.2); c.508A>C, p.Lys170Gln (NM_001321962.2); c.394A>C, p.Lys132Gln (NM_001321963.2, NM_001321964.2, NM_001321965.2 and 1 more transcripts); short protein forms K132Q, K170Q, K252Q.
Identifiers: ClinVar variation 3669741 (VCV003669741.1).
Genomic context (GRCh38, chr8:132,625,354, plus strand): 5'-GTTGTTTTTCCATGTGTCTAAGAGTTTCCAATCTTGATTCAGGAGTAAACAAACAGGGCT[T>G]ATTCCAGAATTCCAAGTCATCTTCACTGTTGTCTAATTTCTTTGTGTTGTGTTCCTCTGT-3'
Protein context (NP_036604.2, residues 242-262): NSEDDLEFWN[Lys252Gln]PCLFTPESRL